The following is an entry in ClinVar:

NM_001206744.2(TPO):c.2215+5A>C

Genes: LALTOP (lung cancer associated lncRNA targeting TOP2A; minus strand), TPO (thyroid peroxidase; plus strand). Cytogenetic location: 2p25.3.
Variant type: single nucleotide variant.
Coding change: c.2215+5A>C on transcript NM_001206744.2 (MANE Select); 5 bases into the intron after coding-DNA position 2215, A replaced by C.
Molecular consequence: intron variant.
Genome position (GRCh38, 1-based): chr2:1,496,202, A>C. VCF-style: chr2-1496202-A-C. GRCh37 (hg19) VCF-style: chr2-1499974-A-C.
Other names: c.2215+5A>C (NM_000547.6, NM_175721.3); c.2044+5A>C (NM_175719.4, NM_001206745.2); c.1696+5A>C (NM_175722.3).
Identifiers: ClinVar variation 331366 (VCV000331366.10), dbSNP rs13431282, ClinGen allele CA1511980.
Genomic context (GRCh38, chr2:1,496,202, plus strand): 5'-TTGTGACAGCATCACTGGCATGAACCTGGAGGCCTGGAGGGAAACCTTTCCTCAAGGTGA[A>C]GTTCGGTCTCCTCTCACACCACGTTACAGCACGTGCATCTCATCAAACAAAGCTTATCTT-3'

ClinVar aggregate classification (germline): Benign. Review status: criteria provided, multiple submitters, no conflicts (2 of 4 stars). 4 submissions from 4 submitters: Benign (4). Last evaluated 2026-05-11.

Conditions:
Deficiency of iodide peroxidase (TDH2A). Also called: Thyroid dyshormonogenesis 2A; HYPOTHYROIDISM, CONGENITAL, DUE TO DYSHORMONOGENESIS, 2A; IODIDE PEROXIDASE DEFICIENCY; THYROID HORMONOGENESIS, GENETIC DEFECT IN, 2A; THYROID PEROXIDASE DEFICIENCY. Identifiers: Orphanet 95716, MedGen C1291299, MONDO:0010133, OMIM 274500.

Allele frequency attached by ClinVar (database versions not stated): gnomAD 0.04969 and 0.04642; gnomAD exomes 0.00480 and 0.01231; ExAC 0.01668; 1000 Genomes Project 0.05831; ESP Exome Variant Server 0.05613; 1000 Genomes Project 30x 0.06184; TOPMed 0.05244.
gnomAD v4.1: 14,357 of 1,613,410 alleles (0.89%); highest among the groups gnomAD compares: African/African-American, 17%; 1,086 homozygotes.

Submissions (4):

Women's Health and Genetics/Laboratory Corporation of America, LabCorp
Classification: Benign. Last evaluated: 2026-05-11. Review status: criteria provided, single submitter. Criteria: LabCorp Variant Classification Summary - May 2015. Collection method: clinical testing. Allele origin: germline.

Labcorp Genetics (formerly Invitae), Labcorp
Classification: Benign. Last evaluated: 2026-02-02. Review status: criteria provided, single submitter. Criteria: Invitae Variant Classification Sherloc (09022015). Collection method: clinical testing. Allele origin: germline.

Illumina Laboratory Services, Illumina
Classification: Benign for Deficiency of iodide peroxidase. Last evaluated: 2018-01-12. Review status: criteria provided, single submitter. Criteria: ICSL Variant Classification Criteria 13 December 2019. Collection method: clinical testing. Allele origin: germline.
Comment: This variant was observed in the ICSL laboratory as part of a predisposition screen in an ostensibly healthy population. It had not been previously curated by ICSL or reported in the Human Gene Mutation Database (HGMD: prior to June 1st, 2018), and was therefore a candidate for classification through an automated scoring system. Utilizing variant allele frequency, disease prevalence and penetrance estimates, and inheritance mode, an automated score was calculated to assess if this variant is too frequent to cause the disease. Based on the score and internal cut-off values, a variant classified as benign is not then subjected to further curation. The score for this variant resulted in a classification of benign for this disease.

Breakthrough Genomics
Classification: Benign. Review status: criteria provided, single submitter. Criteria: ACMG Guidelines, 2015. Collection method: not provided. Allele origin: germline. Inheritance: Autosomal recessive inheritance. Affected: yes.